The following is an entry in ClinVar:

ClinVar aggregate classification (germline): Uncertain significance. Review status: criteria provided, multiple submitters, no conflicts (2 of 4 stars). 4 submissions from 4 submitters: Uncertain significance (4). Last evaluated 2026-05-15.

Conditions:
Joubert syndrome 6 (JBTS6). Identifiers: Orphanet 475, MedGen C1853153, MONDO:0012539, OMIM 610688.
Nephronophthisis 11 (NPHP11). Identifiers: Orphanet 84081, MedGen C3150796, MONDO:0013302, OMIM 613550.
Bardet-Biedl syndrome 14 (BBS14). Identifiers: Orphanet 110, MedGen C2673874, MONDO:0014442, OMIM 615991.
RHYNS syndrome. Also called: RETINITIS PIGMENTOSA SYNDROME; RETINITIS PIGMENTOSA, HYPOPITUITARISM, NEPHRONOPHTHISIS, AND MILD SKELETAL DYSPLASIA. Identifiers: Orphanet 140976, MedGen C1865794, MONDO:0011202, OMIM 602152.
Meckel syndrome, type 3 (MKS3). Also called: MECKEL-GRUBER SYNDROME, TYPE 3. Identifiers: Orphanet 564, MedGen C1846357, MONDO:0011821, OMIM 607361.
COACH syndrome 1. Identifiers: Orphanet 1454, MedGen C5435651, MONDO:0800103, OMIM 216360, MONDO:0008996.
TMEM67-related disorder. Also called: TMEM67-related disorders; TMEM67-related condition. Identifiers: MedGen CN239423.
Inborn genetic diseases. Identifiers: MedGen C0950123, MeSH D030342.
Joubert syndrome. Also called: Familial aplasia of the vermis; JOUBERT-BOLTSHAUSER SYNDROME. Identifiers: Orphanet 475, MedGen C5979921, MONDO:0018772.
Meckel-Gruber syndrome. Also called: DYSENCEPHALIA SPLANCHNOCYSTICA; GRUBER SYNDROME; Dysencephalia splachnocystica. Identifiers: Orphanet 564, MedGen C0265215, MONDO:0018921.

Allele frequency attached by ClinVar (database versions not stated): gnomAD exomes below 0.00001; gnomAD 0.00001; TOPMed 0.00006.
gnomAD v4.1: 11 of 1,612,988 alleles (0.00068%); highest among the groups gnomAD compares: Admixed American, 0.0067%; no homozygotes.

Submissions (4):

PreventionGenetics, part of Exact Sciences
Classification: Uncertain significance for TMEM67-related condition. Last evaluated: 2026-05-15. Review status: criteria provided, single submitter. Criteria: ACMG Guidelines, 2015. Collection method: clinical testing. Allele origin: germline.
Comment: The TMEM67 c.2237T>C variant is predicted to result in the amino acid substitution p.Ile746Thr. To our knowledge, this variant has not been reported in the literature. This variant is reported in 0.00088% of alleles in individuals of European (Non-Finnish) descent in gnomAD. At this time, the clinical significance of this variant is uncertain due to the absence of conclusive functional and genetic evidence.

Ambry Genetics
Classification: Uncertain significance for Inborn genetic diseases. Last evaluated: 2025-04-24. Review status: criteria provided, single submitter. Criteria: Ambry Variant Classification Scheme 2023. Collection method: clinical testing. Allele origin: germline.

Labcorp Genetics (formerly Invitae), Labcorp
Classification: Uncertain significance for Joubert syndrome; Meckel-Gruber syndrome. Last evaluated: 2022-07-05. Review status: criteria provided, single submitter. Criteria: Invitae Variant Classification Sherloc (09022015). Collection method: clinical testing. Allele origin: germline.
Comment: This sequence change replaces isoleucine, which is neutral and non-polar, with threonine, which is neutral and polar, at codon 746 of the TMEM67 protein (p.Ile746Thr). This variant is present in population databases (no rsID available, gnomAD 0.0009%). This variant has not been reported in the literature in individuals affected with TMEM67-related conditions. ClinVar contains an entry for this variant (Variation ID: 664064). Advanced modeling of protein sequence and biophysical properties (such as structural, functional, and spatial information, amino acid conservation, physicochemical variation, residue mobility, and thermodynamic stability) performed at Invitae indicates that this missense variant is not expected to disrupt TMEM67 protein function. In summary, the available evidence is currently insufficient to determine the role of this variant in disease. Therefore, it has been classified as a Variant of Uncertain Significance.

Fulgent Genetics
Classification: Uncertain significance for COACH syndrome 1; RHYNS syndrome; Meckel syndrome, type 3; Joubert syndrome 6; Nephronophthisis 11; Bardet-Biedl syndrome 14. Last evaluated: 2021-07-02. Review status: criteria provided, single submitter. Criteria: ACMG Guidelines, 2015. Collection method: clinical testing. Allele origin: unknown.

NM_153704.6(TMEM67):c.2237T>C (p.Ile746Thr)

Gene: TMEM67 (transmembrane protein 67; plus strand). Cytogenetic location: 8q22.1.
Variant type: single nucleotide variant.
Coding change: c.2237T>C on transcript NM_153704.6 (MANE Select); coding-DNA position 2237, T replaced by C.
Protein change: p.Ile746Thr; replaces isoleucine 746 with threonine.
Molecular consequence: missense variant. On other transcripts: non-coding transcript variant (1).
Genome position (GRCh38, 1-based): chr8:93,799,754, T>C. VCF-style: chr8-93799754-T-C. GRCh37 (hg19) VCF-style: chr8-94811982-T-C.
Other names: c.1994T>C, p.Ile665Thr (NM_001142301.1); short protein forms I665T, I746T.
Identifiers: ClinVar variation 664064 (VCV000664064.9), dbSNP rs947256938, ClinGen allele CA181341981.
Genomic context (GRCh38, chr8:93,799,754, plus strand): 5'-CTTATAGCTGCATTTTGAGATATGCAGTGTCTGCTGCTCTTTGGCTAGCCATTGGAATTA[T>C]ACAGGTAAGGAATTATACAGGTAATATTACTTCTAAGTAACATTGCTTCTTTATAACTCT-3'
Protein context (NP_714915.3, residues 736-756): SAALWLAIGI[Ile746Thr]QVVFFAVFYE